The following is an entry in ClinVar:

NM_015631.6(TCTN3):c.194C>T (p.Thr65Ile)

Genes: TCTN3 (tectonic family member 3; minus strand), LOC130004408 (ATAC-STARR-seq lymphoblastoid active region 3801; plus strand). Cytogenetic location: 10q24.1.
Variant type: single nucleotide variant.
Coding change: c.194C>T on transcript NM_015631.6 (MANE Select); coding-DNA position 194, C replaced by T.
Protein change: p.Thr65Ile; replaces threonine 65 with isoleucine.
Molecular consequence: missense variant.
Genome position (GRCh38, 1-based): chr10:95,693,706, G>A on the plus strand (C>T on the coding strand, the complement: TCTN3 is on the minus strand). VCF-style: chr10-95693706-G-A. GRCh37 (hg19) VCF-style: chr10-97453463-G-A.
Other names: c.194C>T, p.Thr65Ile (NM_001143973.2); short protein forms T65I.
Identifiers: ClinVar variation 1518190 (VCV001518190.3), dbSNP rs2097955954, ClinGen allele CA377713304.
Genomic context (GRCh38, chr10:95,693,706, plus strand): 5'-GGGAAGAGGTCCACAGTCCTATTCCCAGGGGCCGAGGGAGTCACGAGAGTAGGGACCACT[G>A]TAGGGAGTCCAGGCACGGCCGGGCGAGTTGCAGTCGCCTCTGAAGGGGACTGGAGGGTTC-3'
Protein context (NP_056446.4, residues 55-75): ATRPAVPGLP[Thr65Ile]VVPTLVTPSA

ClinVar aggregate classification (germline): Uncertain significance (1 of 4 stars; one submission).

Conditions:
Joubert syndrome 18 (JBTS18). Identifiers: Orphanet 2754, MedGen C3553758, MONDO:0013896, OMIM 614815.
Orofacial-digital syndrome IV (OFD4). Also called: Orofaciodigital syndrome IV; BARAITSER-BURN SYNDROME; MOHR-MAJEWSKI SYNDROME; OFD SYNDROME WITH TIBIAL DEFECTS; OFD SYNDROME, BARAITSER-BURN TYPE; OFDS IV. Identifiers: Orphanet 2753, MedGen C0406727, MONDO:0009794, OMIM 258860.

Allele frequency attached by ClinVar (database versions not stated): gnomAD exomes below 0.00001.
gnomAD v4.1: 3 of 1,551,728 alleles (0.00019%); highest among the groups gnomAD compares: Non-Finnish European, 0.00026%; no homozygotes.

Submission:

Labcorp Genetics (formerly Invitae), Labcorp
Classification: Uncertain significance for Joubert syndrome 18; Orofacial-digital syndrome IV. Last evaluated: 2021-11-22. Review status: criteria provided, single submitter. Criteria: Invitae Variant Classification Sherloc (09022015). Collection method: clinical testing. Allele origin: germline.
Comment: This sequence change replaces threonine, which is neutral and polar, with isoleucine, which is neutral and non-polar, at codon 65 of the TCTN3 protein (p.Thr65Ile). This variant is not present in population databases (gnomAD no frequency). This variant has not been reported in the literature in individuals affected with TCTN3-related conditions. Algorithms developed to predict the effect of missense changes on protein structure and function are either unavailable or do not agree on the potential impact of this missense change (SIFT: "Deleterious"; PolyPhen-2: "Benign"; Align-GVGD: "Class C0"). In summary, the available evidence is currently insufficient to determine the role of this variant in disease. Therefore, it has been classified as a Variant of Uncertain Significance.